The following is an entry in ClinVar:

ClinVar aggregate classification (germline): Uncertain significance (1 of 4 stars; one submission).

Conditions:
Succinate-semialdehyde dehydrogenase deficiency (SSADHD). Also called: Succinic Semialdehyde Dehydrogenase Deficiency; SSADH DEFICIENCY; 4-HYDROXYBUTYRIC ACIDURIA; GABA METABOLIC DEFECT. Identifiers: Orphanet 22, MedGen C0268631, MONDO:0010083, OMIM 271980.

Allele frequency attached by ClinVar (database versions not stated): gnomAD exomes below 0.00001; gnomAD 0.00003 and 0.00004; TOPMed 0.00003.

Submission:

Labcorp Genetics (formerly Invitae), Labcorp
Classification: Uncertain significance for Succinate-semialdehyde dehydrogenase deficiency. Last evaluated: 2022-03-19. Review status: criteria provided, single submitter. Criteria: Invitae Variant Classification Sherloc (09022015). Collection method: clinical testing. Allele origin: germline.
Comment: This sequence change replaces valine, which is neutral and non-polar, with leucine, which is neutral and non-polar, at codon 530 of the ALDH5A1 protein (p.Val530Leu). This variant is present in population databases (no rsID available, gnomAD 0.007%). This variant has not been reported in the literature in individuals affected with ALDH5A1-related conditions. ClinVar contains an entry for this variant (Variation ID: 1061293). Advanced modeling of protein sequence and biophysical properties (such as structural, functional, and spatial information, amino acid conservation, physicochemical variation, residue mobility, and thermodynamic stability) performed at Invitae indicates that this missense variant is not expected to disrupt ALDH5A1 protein function. Algorithms developed to predict the effect of sequence changes on RNA splicing suggest that this variant may disrupt the consensus splice site. In summary, the available evidence is currently insufficient to determine the role of this variant in disease. Therefore, it has been classified as a Variant of Uncertain Significance.

NM_001080.3(ALDH5A1):c.1588G>C (p.Val530Leu)

Gene: ALDH5A1 (aldehyde dehydrogenase 5 family member A1; plus strand). Cytogenetic location: 6p22.3.
Variant type: single nucleotide variant.
Coding change: c.1588G>C on transcript NM_001080.3 (MANE Select); coding-DNA position 1588, G replaced by C.
Protein change: p.Val530Leu; replaces valine 530 with leucine.
Molecular consequence: missense variant.
Genome position (GRCh38, 1-based): chr6:24,533,692, G>C. VCF-style: chr6-24533692-G-C. GRCh37 (hg19) VCF-style: chr6-24533920-G-C.
Other names: c.1444G>C, p.Val482Leu (NM_001368954.1); c.1627G>C, p.Val543Leu (NM_170740.1); short protein forms V482L, V530L, V543L.
Identifiers: ClinVar variation 1061293 (VCV001061293.6), dbSNP rs1027980375, ClinGen allele CA136113853.